The following is an entry in ClinVar:

NM_006172.4(NPPA):c.190A>C (p.Ser64Arg)

Genes: NPPA-AS1 (NPPA antisense RNA 1; plus strand), NPPA (natriuretic peptide A; minus strand), LOC114827827 (VISTA enhancer hs2123; plus strand). Cytogenetic location: 1p36.22.
Variant type: single nucleotide variant.
Coding change: c.190A>C on transcript NM_006172.4 (MANE Select); coding-DNA position 190, A replaced by C.
Protein change: p.Ser64Arg; replaces serine 64 with arginine.
Molecular consequence: missense variant.
Genome position (GRCh38, 1-based): chr1:11,847,373, T>G on the plus strand (A>C on the coding strand, the complement: NPPA is on the minus strand). VCF-style: chr1-11847373-T-G. GRCh37 (hg19) VCF-style: chr1-11907430-T-G.
Other names: c.190A>C (LRG_751t1); short protein forms S64R.
Identifiers: ClinVar variation 126847 (VCV000126847.32), dbSNP rs61757261, ClinGen allele CA151258.

ClinVar aggregate classification (germline): Benign/Likely benign. Review status: criteria provided, multiple submitters, no conflicts (2 of 4 stars). 10 submissions from 10 submitters: Benign (2); Likely benign (2). 6 of the submissions do not count toward it. Last evaluated 2026-01-19.

Conditions:
NPPA-related disorder. Also called: NPPA-related condition.
Atrial fibrillation, familial, 6 (ATFB6). Identifiers: MedGen C2677294, MONDO:0012816, OMIM 612201.
Atrial standstill 2 (ATRST2). Also called: ATRIAL DILATION AND STANDSTILL; CARDIOMYOPATHY, ATRIAL DILATED, WITH ATRIAL STANDSTILL. Identifiers: Orphanet 1344, MedGen C3810401, MONDO:0014329, OMIM 615745.

Allele frequency attached by ClinVar (database versions not stated): gnomAD exomes 0.00202 and 0.00257; 1000 Genomes Project 0.00060; ExAC 0.00191; ESP Exome Variant Server 0.00200; 1000 Genomes Project 30x 0.00062; TOPMed 0.00164; gnomAD 0.00165.
gnomAD v4.1: 3,991 of 1,614,004 alleles (0.25%); highest among the groups gnomAD compares: Non-Finnish European, 0.29%; 11 homozygotes.

Submissions (10):

Labcorp Genetics (formerly Invitae), Labcorp
Classification: Benign for Atrial fibrillation, familial, 6. Last evaluated: 2026-01-19. Review status: criteria provided, single submitter. Criteria: Invitae Variant Classification Sherloc (09022015). Collection method: clinical testing. Allele origin: germline.

Fulgent Genetics
Classification: Likely benign for Atrial fibrillation, familial, 6; Atrial standstill 2. Last evaluated: 2022-05-16. Review status: criteria provided, single submitter. Criteria: ACMG Guidelines, 2015. Collection method: clinical testing. Allele origin: unknown.

Women's Health and Genetics/Laboratory Corporation of America, LabCorp
Classification: Benign. Last evaluated: 2021-12-15. Review status: criteria provided, single submitter. Criteria: LabCorp Variant Classification Summary - May 2015. Collection method: clinical testing. Allele origin: germline.
Comment: Variant summary: NPPA c.190A>C (p.Ser64Arg) results in a non-conservative amino acid change in the encoded protein sequence. Four of five in-silico tools predict a benign effect of the variant on protein function. The variant allele was found at a frequency of 0.002 in 263016 control chromosomes, predominantly at a frequency of 0.0029 within the Non-Finnish European subpopulation in the gnomAD database. The observed variant frequency within Non-Finnish European control individuals in the gnomAD database is approximately 92.8 fold of the estimated maximal expected allele frequency for a pathogenic variant in NPPA causing Atrial Fibrillation phenotype (3.1e-05), strongly suggesting that the variant is a benign polymorphism found primarily in populations of Non-Finnish European origin. c.190A>C has been reported in the literature in multiple individuals affected with Atrial Fibrillation and Arrythmia, but also in healthy controls (example: Abraham_2010, Ritchie_2012, Disertori_2012, Disertori_2016, Hertz_2014, Hertz_2016, Guelly_2020). Co-occurrences with other pathogenic variants have been reported (SCN5A c.361C>T / p.Arg121Trp, Hertz_2014; KCNH2 c.2587C>T / p.Arg863X, internal sample), providing supporting evidence for a benign role. At least one publication reports experimental evidence evaluating an impact on protein function, reporting an increased potassium current associated with this variant (Abraham_2010). However, a case-control study reported that the variant was relatively common among non-AF controls, which suggested that it may not be causative i.e. the monogenic cause of AF, though it might be associated with very low penetrance or contribute in some as yet undefined fashion to AF susceptibility (Weeke_2015). Two ClinVar submitters have assessed this variant since 2014: one classified the variant as likely benign and the other as benign. Based on the evidence outlined above, the variant was classified as benign.

Breakthrough Genomics
Classification: Likely benign. Review status: criteria provided, single submitter. Criteria: ACMG Guidelines, 2015. Collection method: not provided. Allele origin: germline. Inheritance: Autosomal recessive inheritance. Affected: yes.

PreventionGenetics, part of Exact Sciences
Classification: Likely benign for NPPA-related condition. Last evaluated: 2024-05-03. Review status: no assertion criteria provided. Collection method: clinical testing. Allele origin: germline. Not counted in ClinVar's aggregate classification.
Comment: This variant is classified as likely benign based on ACMG/AMP sequence variant interpretation guidelines (Richards et al. 2015 PMID: 25741868, with internal and published modifications).

OMIM
Classification: Pathogenic for ATRIAL FIBRILLATION, FAMILIAL, 6. Last evaluated: 2010-01-01. Review status: no assertion criteria provided. Collection method: literature only. Allele origin: germline. Not counted in ClinVar's aggregate classification.

Clinical Genetics DNA and cytogenetics Diagnostics Lab, Erasmus MC, Erasmus Medical Center
Classification: Likely benign. Review status: no assertion criteria provided. Collection method: clinical testing. Allele origin: germline. Affected: yes. Study: VKGL Data-share Consensus. Not counted in ClinVar's aggregate classification.

Clinical Genetics, Academic Medical Center
Classification: Benign. Review status: no assertion criteria provided. Collection method: clinical testing. Allele origin: germline. Affected: yes. Study: VKGL Data-share Consensus. Not counted in ClinVar's aggregate classification.

Genome Diagnostics Laboratory, University Medical Center Utrecht
Classification: Likely benign. Review status: no assertion criteria provided. Collection method: clinical testing. Allele origin: germline. Affected: yes. Study: VKGL Data-share Consensus. Not counted in ClinVar's aggregate classification.

Laboratory of Diagnostic Genome Analysis, Leiden University Medical Center (LUMC)
Classification: Likely benign. Review status: no assertion criteria provided. Collection method: clinical testing. Allele origin: germline. Affected: yes. Study: VKGL Data-share Consensus. Not counted in ClinVar's aggregate classification.

Literature cited by the submitters: PubMed 19646991 (cited by Women's Health and Genetics/Laboratory Corporation of America, LabCorp and OMIM); PubMed 22818067 (cited by Women's Health and Genetics/Laboratory Corporation of America, LabCorp); PubMed 23275345 (cited by Women's Health and Genetics/Laboratory Corporation of America, LabCorp); PubMed 23838598 (cited by Women's Health and Genetics/Laboratory Corporation of America, LabCorp); PubMed 26200358 (cited by Women's Health and Genetics/Laboratory Corporation of America, LabCorp); PubMed 25467552 (cited by Women's Health and Genetics/Laboratory Corporation of America, LabCorp); PubMed 25410959 (cited by Women's Health and Genetics/Laboratory Corporation of America, LabCorp); PubMed 26383259 (cited by Women's Health and Genetics/Laboratory Corporation of America, LabCorp); PubMed 33552729 (cited by Women's Health and Genetics/Laboratory Corporation of America, LabCorp).